The following is an entry in ClinVar:

NM_058216.3(RAD51C):c.283C>T (p.His95Tyr)

Gene: RAD51C (RAD51 paralog C; plus strand). Cytogenetic location: 17q22.
Variant type: single nucleotide variant.
Coding change: c.283C>T on transcript NM_058216.3 (MANE Select); coding-DNA position 283, C replaced by T.
Protein change: p.His95Tyr; replaces histidine 95 with tyrosine.
Molecular consequence: missense variant. On other transcripts: non-coding transcript variant (2).
Genome position (GRCh38, 1-based): chr17:58,695,068, C>T. VCF-style: chr17-58695068-C-T. GRCh37 (hg19) VCF-style: chr17-56772429-C-T.
Other names: c.283C>T, p.His95Tyr (NM_002876.4); short protein forms H95Y.
Identifiers: ClinVar variation 821879 (VCV000821879.16), dbSNP rs1317173760, ClinGen allele CA400340838.

ClinVar aggregate classification (germline): Uncertain significance. Review status: criteria provided, multiple submitters, no conflicts (2 of 4 stars). 3 submissions from 3 submitters: Uncertain significance (3). Last evaluated 2025-04-07.

Conditions:
Fanconi anemia complementation group O. Also called: RAD51C-Related Fanconi Anemia. Identifiers: Orphanet 84, MedGen C3150653, MONDO:0013248, OMIM 613390.
Hereditary cancer-predisposing syndrome. Also called: Hereditary Cancer Syndrome; Neoplastic Syndromes, Hereditary; Hereditary neoplastic syndrome; Tumor predisposition. Identifiers: Orphanet 140162, MedGen C0027672, MeSH D009386, MONDO:0015356.
Breast-ovarian cancer, familial, susceptibility to, 3. Also called: RAD51C-Related Breast/Ovarian Cancer. Identifiers: Orphanet 145, MedGen C3150659, MONDO:0013253, OMIM 613399.

Allele frequency attached by ClinVar (database versions not stated): TOPMed below 0.00001.

Submissions (3):

Labcorp Genetics (formerly Invitae), Labcorp
Classification: Uncertain significance for Fanconi anemia complementation group O. Last evaluated: 2025-04-07. Review status: criteria provided, single submitter. Criteria: Invitae Variant Classification Sherloc (09022015). Collection method: clinical testing. Allele origin: germline.
Comment: This sequence change replaces histidine, which is basic and polar, with tyrosine, which is neutral and polar, at codon 95 of the RAD51C protein (p.His95Tyr). This variant is not present in population databases (gnomAD no frequency). This variant has not been reported in the literature in individuals affected with RAD51C-related conditions. ClinVar contains an entry for this variant (Variation ID: 821879). Invitae Evidence Modeling of protein sequence and biophysical properties (such as structural, functional, and spatial information, amino acid conservation, physicochemical variation, residue mobility, and thermodynamic stability) indicates that this missense variant is not expected to disrupt RAD51C protein function with a negative predictive value of 80%. In summary, the available evidence is currently insufficient to determine the role of this variant in disease. Therefore, it has been classified as a Variant of Uncertain Significance.

Ambry Genetics
Classification: Uncertain significance for Hereditary cancer-predisposing syndrome. Last evaluated: 2025-02-09. Review status: criteria provided, single submitter. Criteria: Ambry Variant Classification Scheme 2023. Collection method: clinical testing. Allele origin: germline.
Comment: The p.H95Y variant (also known as c.283C>T), located in coding exon 2 of the RAD51C gene, results from a C to T substitution at nucleotide position 283. The histidine at codon 95 is replaced by tyrosine, an amino acid with similar properties. This amino acid position is not well conserved in available vertebrate species. In addition, this alteration is predicted to be tolerated by in silico analysis. Since supporting evidence is limited at this time, the clinical significance of this alteration remains unclear.

Baylor Genetics
Classification: Uncertain significance for Breast-ovarian cancer, familial, susceptibility to, 3. Last evaluated: 2023-06-30. Review status: criteria provided, single submitter. Criteria: ACMG Guidelines, 2015. Collection method: clinical testing. Allele origin: unknown.